The following is an entry in ClinVar:

ClinVar aggregate classification (germline): Pathogenic (1 of 4 stars; one submission).

Conditions:
Cystic fibrosis (CF). Also called: MUCOVISCIDOSIS. Identifiers: Orphanet 586, MedGen C0010674, MONDO:0009061, OMIM 219700. Disease mechanism: loss of function.

Submission:

Labcorp Genetics (formerly Invitae), Labcorp
Classification: Pathogenic for Cystic fibrosis. Last evaluated: 2021-08-07. Review status: criteria provided, single submitter. Criteria: Invitae Variant Classification Sherloc (09022015). Collection method: clinical testing. Allele origin: germline.
Comment: This variant is a gross deletion of the genomic region encompassing exon(s) 22-24 of the CFTR gene. This variant would be expected to be in-frame, preserving the integrity of the reading frame. This variant has not been reported in the literature in individuals affected with CFTR-related conditions. This variant disrupts a region of the CFTR protein in which other variant(s) (p.Asn1303Lys) have been determined to be pathogenic (PMID: 12767731, 15371902, 23891399, 23974870). This suggests that this is a clinically significant region of the protein, and that variants that disrupt it are likely to be disease-causing. For these reasons, this variant has been classified as Pathogenic.

Literature cited by the submitters: PubMed 12767731; PubMed 15371902; PubMed 23891399; PubMed 23974870.

NC_000007.13:g.(?_117266272)_(117292995_?)del

Gene: CFTR (CF transmembrane conductance regulator; plus strand). Cytogenetic location: 7q31.2.
Variant type: Deletion.
Identifiers: ClinVar variation 1452482 (VCV001452482.3).